The following is an entry in ClinVar:

NM_015937.6(PIGT):c.1575C>G (p.Pro525=)

Gene: PIGT (phosphatidylinositol glycan anchor biosynthesis class T; plus strand). Cytogenetic location: 20q13.12.
Variant type: single nucleotide variant.
Coding change: c.1575C>G on transcript NM_015937.6 (MANE Select); coding-DNA position 1575, C replaced by G.
Protein change: p.Pro525=; no amino-acid change (proline 525 retained).
Molecular consequence: synonymous variant. On other transcripts: non-coding transcript variant (5).
Genome position (GRCh38, 1-based): chr20:45,425,664, C>G. VCF-style: chr20-45425664-C-G. GRCh37 (hg19) VCF-style: chr20-44054304-C-G.
Other names: c.1407C>G, p.Pro469= (NM_001184728.3); c.1374C>G, p.Pro458= (NM_001184729.3); c.1269C>G, p.Pro423= (NM_001184730.3); c.1575C>G (NM_015937.5).
Identifiers: ClinVar variation 2199877 (VCV002199877.5), dbSNP rs374558790, ClinGen allele CA9878323.
Genomic context (GRCh38, chr20:45,425,664, plus strand): 5'-TGTGCGGCTCTACACGGAGCCGCTGCTGGTGAACCTGCCGACACCGGACTTCAGCATGCC[C>G]TACAACGTGATCTGCCTCACGTGCACTGTGGTGGCCGTGTGCTATGGCTCCTTCTACAAT-3'
Protein context (NP_057021.2, residues 515-535): VNLPTPDFSM[Pro525=]YNVICLTCTV

ClinVar aggregate classification (germline): Likely benign. Review status: criteria provided, multiple submitters, no conflicts (2 of 4 stars). 2 submissions from 2 submitters: Likely benign (2). Last evaluated 2025-01-17.

Conditions:
PIGT-related disorder.
Multiple congenital anomalies-hypotonia-seizures syndrome 3 (MCAHS3). Also called: GLYCOSYLPHOSPHATIDYLINOSITOL BIOSYNTHESIS DEFECT 7. Identifiers: Orphanet 369837, MedGen C3809356, MONDO:0014165, OMIM 615398.

Allele frequency attached by ClinVar (database versions not stated): gnomAD 0.00001; TOPMed 0.00001; ExAC 0.00002; ESP Exome Variant Server 0.00008.
gnomAD v4.1: 95 of 1,614,050 alleles (0.0059%); highest among the groups gnomAD compares: Non-Finnish European, 0.008%; no homozygotes.

Submissions (2):

PreventionGenetics, part of Exact Sciences
Classification: Likely benign for PIGT-related condition. Last evaluated: 2025-01-17. Review status: criteria provided, single submitter. Criteria: ACMG Guidelines, 2015. Collection method: clinical testing. Allele origin: germline.
Comment: This variant is classified as likely benign based on ACMG/AMP sequence variant interpretation guidelines (Richards et al. 2015 PMID: 25741868, with internal and published modifications).

Labcorp Genetics (formerly Invitae), Labcorp
Classification: Likely benign for Multiple congenital anomalies-hypotonia-seizures syndrome 3. Last evaluated: 2022-05-13. Review status: criteria provided, single submitter. Criteria: Invitae Variant Classification Sherloc (09022015). Collection method: clinical testing. Allele origin: germline.